The following is an entry in ClinVar:

ClinVar aggregate classification (germline): Conflicting classifications of pathogenicity. Review status: criteria provided, conflicting classifications (1 of 4 stars). 3 submissions from 3 submitters: Uncertain significance (2); Likely benign (1). Last evaluated 2025-06-15.

Conditions:
Adams-Oliver syndrome 5 (AOS5). Identifiers: Orphanet 974, MedGen C4014970, MONDO:0014459, OMIM 616028.

gnomAD v4.1: 4 of 1,612,640 alleles (0.00025%); highest among the groups gnomAD compares: East Asian, 0.0067%; no homozygotes.

Submissions (3):

Labcorp Genetics (formerly Invitae), Labcorp
Classification: Likely benign for Adams-Oliver syndrome 5. Last evaluated: 2025-06-15. Review status: criteria provided, single submitter. Criteria: Invitae Variant Classification Sherloc (09022015). Collection method: clinical testing. Allele origin: germline.

GeneDx
Classification: Uncertain significance. Last evaluated: 2024-08-30. Review status: criteria provided, single submitter. Criteria: GeneDx Variant Classification Process June 2021. Collection method: clinical testing. Allele origin: germline. Affected: yes.
Comment: Not observed at significant frequency in large population cohorts (gnomAD); In silico analysis supports that this missense variant has a deleterious effect on protein structure/function; Has not been previously published as pathogenic or benign to our knowledge

Blueprint Genetics
Classification: Uncertain significance. Last evaluated: 2020-12-21. Review status: criteria provided, single submitter. Criteria: ACMG Guidelines, 2015. Collection method: clinical testing. Allele origin: germline.

NM_017617.5(NOTCH1):c.5576C>T (p.Ala1859Val)

Gene: NOTCH1 (notch receptor 1; minus strand). Cytogenetic location: 9q34.3.
Variant type: single nucleotide variant.
Coding change: c.5576C>T on transcript NM_017617.5 (MANE Select); coding-DNA position 5576, C replaced by T.
Protein change: p.Ala1859Val; replaces alanine 1859 with valine.
Molecular consequence: missense variant.
Genome position (GRCh38, 1-based): chr9:136,501,810, G>A on the plus strand (C>T on the coding strand, the complement: NOTCH1 is on the minus strand). VCF-style: chr9-136501810-G-A. GRCh37 (hg19) VCF-style: chr9-139396262-G-A.
Other names: short protein forms A1859V.
Identifiers: ClinVar variation 3765986 (VCV003765986.3).